The following is an entry in ClinVar:

ClinVar aggregate classification (germline): Uncertain significance (1 of 4 stars; one submission).

Allele frequency attached by ClinVar (database versions not stated): gnomAD exomes below 0.00001; gnomAD 0.00001.
gnomAD v4.1: 3 of 1,613,980 alleles (0.00019%); highest among the groups gnomAD compares: Non-Finnish European, 0.00025%; no homozygotes.

Submission:

Labcorp Genetics (formerly Invitae), Labcorp
Classification: Uncertain significance. Last evaluated: 2021-03-27. Review status: criteria provided, single submitter. Criteria: Invitae Variant Classification Sherloc (09022015). Collection method: clinical testing. Allele origin: germline.
Comment: In summary, the available evidence is currently insufficient to determine the role of this variant in disease. Therefore, it has been classified as a Variant of Uncertain Significance. This sequence change replaces methionine with leucine at codon 51 of the HMOX1 protein (p.Met51Leu). The methionine residue is moderately conserved and there is a small physicochemical difference between methionine and leucine. This variant is not present in population databases (ExAC no frequency). This variant has not been reported in the literature in individuals with HMOX1-related conditions. Algorithms developed to predict the effect of missense changes on protein structure and function (SIFT, PolyPhen-2, Align-GVGD) all suggest that this variant is likely to be tolerated, but these predictions have not been confirmed by published functional studies and their clinical significance is uncertain.

NM_002133.3(HMOX1):c.151A>T (p.Met51Leu)

Gene: HMOX1 (heme oxygenase 1; plus strand). Cytogenetic location: 22q12.3.
Variant type: single nucleotide variant.
Coding change: c.151A>T on transcript NM_002133.3 (MANE Select); coding-DNA position 151, A replaced by T.
Protein change: p.Met51Leu; replaces methionine 51 with leucine.
Molecular consequence: missense variant.
Genome position (GRCh38, 1-based): chr22:35,386,691, A>T. VCF-style: chr22-35386691-A-T. GRCh37 (hg19) VCF-style: chr22-35782684-A-T.
Other names: short protein forms M51L.
Identifiers: ClinVar variation 1520465 (VCV001520465.8), dbSNP rs1374172290, ClinGen allele CA411352117.
Genomic context (GRCh38, chr22:35,386,691, plus strand): 5'-GAGGTGGGGGTCTTCTATGTGGCTGGCGGCCTGACCTGCTCACTCTGCTTTCAGCTGGTG[A>T]TGGCCTCCCTGTACCACATCTATGTGGCCCTGGAGGAGGAGATTGAGCGCAACAAGGAGA-3'
Protein context (NP_002124.1, residues 41-61): QVTRDGFKLV[Met51Leu]ASLYHIYVAL